The following is an entry in ClinVar:

ClinVar aggregate classification (germline): Uncertain significance. Review status: criteria provided, multiple submitters, no conflicts (2 of 4 stars). 4 submissions from 4 submitters: Uncertain significance (4). Last evaluated 2025-03-28.

Conditions:
Atypical teratoid rhabdoid tumor. Also called: Atypical teratoid/rhabdoid tumor. Identifiers: Orphanet 99966, MedGen C1266184, MONDO:0020560, HP:0034401.
Hereditary cancer-predisposing syndrome. Also called: Tumor predisposition; Hereditary Cancer Syndrome; Neoplastic Syndromes, Hereditary; Hereditary neoplastic syndrome. Identifiers: Orphanet 140162, MedGen C0027672, MeSH D009386, MONDO:0015356.
Hereditary breast ovarian cancer syndrome. Also called: BRCA1- and BRCA2-Associated Hereditary Breast and Ovarian Cancer; Hereditary breast and ovarian cancer syndrome; Hereditary breast and ovarian cancer; Hereditary breast and ovarian cancer syndrome (HBOC); Hereditary breast and/or ovarian cancer syndrome; Breast and ovarian cancer. Identifiers: Orphanet 145, MedGen C0677776, MeSH D061325, MONDO:0003582. Disease mechanism: loss of function.

Submissions (4):

Ambry Genetics
Classification: Uncertain significance for Hereditary cancer-predisposing syndrome. Last evaluated: 2025-03-28. Review status: criteria provided, single submitter. Criteria: Ambry Variant Classification Scheme 2023. Collection method: clinical testing. Allele origin: germline.
Comment: The c.9503_9506delATATinsTAAG variant (also known as p.N3168_I3169delinsIS), located in coding exon 25 of the BRCA2 gene, results from an in-frame deletion of ATAT and insertion of TAAG at nucleotide positions 9503 to 9506. This results in the deletion of two residues (NI) and the insertion of two new residues (IS) at codons 3168 to 3169. This amino acid region is not well conserved in available vertebrate species. In addition, the in silico prediction for this alteration is inconclusive (Choi Y et al. PLoS ONE. 2012; 7(10):e46688). Based on the available evidence, the clinical significance of this variant remains unclear.

Labcorp Genetics (formerly Invitae), Labcorp
Classification: Uncertain significance for Hereditary breast ovarian cancer syndrome. Last evaluated: 2024-03-08. Review status: criteria provided, single submitter. Criteria: Invitae Variant Classification Sherloc (09022015). Collection method: clinical testing. Allele origin: germline.
Comment: This variant, c.9503_9506delinsTAAG , is a complex sequence change that results in the deletion of 2 and insertion of 2 amino acid(s) in the BRCA2 protein (p.Asn3168_Ile3169delinsIleSer). Information on the frequency of this variant in the gnomAD database is not available, as this variant may be reported differently in the database. This variant has not been reported in the literature in individuals affected with BRCA2-related conditions. Experimental studies and prediction algorithms are not available or were not evaluated, and the functional significance of this variant is currently unknown. In summary, the available evidence is currently insufficient to determine the role of this variant in disease. Therefore, it has been classified as a Variant of Uncertain Significance.

GeneDx
Classification: Uncertain significance. Last evaluated: 2024-03-06. Review status: criteria provided, single submitter. Criteria: GeneDx Variant Classification Process June 2021. Collection method: clinical testing. Allele origin: germline. Affected: yes.
Comment: Not observed at significant frequency in large population cohorts (gnomAD); In silico analysis supports a deleterious effect on protein structure/function; Has not been previously published as pathogenic or benign to our knowledge; Also known as 9731_9734delinsTAAG; This variant is associated with the following publications: (PMID: 12228710)

St. Jude Molecular Pathology, St. Jude Children's Research Hospital
Classification: Uncertain significance for Atypical teratoid rhabdoid tumor. Last evaluated: 2016-12-27. Review status: criteria provided, single submitter. Criteria: ACMG Guidelines, 2015. Collection method: clinical testing. Allele origin: germline. Affected: yes.

NM_000059.4(BRCA2):c.9503_9506delinsTAAG (p.Asn3168_Ile3169delinsIleSer)

Gene: BRCA2 (BRCA2 DNA repair associated; plus strand). Cytogenetic location: 13q13.1.
Variant type: Indel.
Coding change: c.9503_9506delinsTAAG on transcript NM_000059.4 (MANE Select); coding-DNA positions 9503 to 9506, ATAT replaced by TAAG.
Protein change: p.Asn3168_Ile3169delinsIleSer.
Molecular consequence: missense variant. On other transcripts: non-coding transcript variant (1).
Genome position (GRCh38, 1-based): chr13:32,396,899-32,396,902, ATAT replaced by TAAG. VCF-style: chr13-32396899-ATAT-TAAG. GRCh37 (hg19) VCF-style: chr13-32971036-ATAT-TAAG.
Other names: c.9407_9410delinsTAAG, p.Asn3136_Ile3137delinsIleSer (NM_001406719.1); c.9452_9455delinsTAAG, p.Asn3151_Ile3152delinsIleSer (NM_001406720.1); c.4571_4574delinsTAAG, p.Asn1524_Ile1525delinsIleSer (NM_001406721.1); c.3086_3089delinsTAAG, p.Asn1029_Ile1030delinsIleSer (NM_001406722.1); c.9503_9506delinsTAAG, p.Asn3168_Ile3169delinsIleSer (NM_001432077.1).
Identifiers: ClinVar variation 620616 (VCV000620616.6), dbSNP rs1566260060, ClinGen allele CA913190735.